The following is an entry in ClinVar:

ClinVar aggregate classification (germline): Uncertain significance (1 of 4 stars; one submission).

Submission:

GeneDx
Classification: Uncertain significance. Last evaluated: 2025-06-11. Review status: criteria provided, single submitter. Criteria: GeneDx Variant Classification Process June 2021. Collection method: clinical testing. Allele origin: germline. Affected: yes.
Comment: Not observed at significant frequency in large population cohorts (gnomAD); In silico analysis supports that this missense variant has a deleterious effect on protein structure/function; Has not been previously published as pathogenic or benign to our knowledge

NM_000660.7(TGFB1):c.733G>A (p.Gly245Ser)

Gene: TGFB1 (transforming growth factor beta 1; minus strand). Cytogenetic location: 19q13.2.
Variant type: single nucleotide variant.
Coding change: c.733G>A on transcript NM_000660.7 (MANE Select); coding-DNA position 733, G replaced by A.
Protein change: p.Gly245Ser; replaces glycine 245 with serine.
Molecular consequence: missense variant.
Genome position (GRCh38, 1-based): chr19:41,342,010, C>T on the plus strand (G>A on the coding strand, the complement: TGFB1 is on the minus strand). VCF-style: chr19-41342010-C-T. GRCh37 (hg19) VCF-style: chr19-41847915-C-T.
Other names: short protein forms G245S.
Identifiers: ClinVar variation 4537540 (VCV004537540.1).